The following is an entry in ClinVar:

ClinVar aggregate classification (germline): Uncertain significance. Review status: criteria provided, multiple submitters, no conflicts (2 of 4 stars). 4 submissions from 4 submitters: Uncertain significance (4). Last evaluated 2025-05-08.

Conditions:
Hereditary cancer-predisposing syndrome. Also called: Hereditary neoplastic syndrome; Neoplastic Syndromes, Hereditary; Tumor predisposition; Hereditary Cancer Syndrome. Identifiers: Orphanet 140162, MedGen C0027672, MeSH D009386, MONDO:0015356.
Fumarase deficiency (FMRD). Also called: Fumarate Hydratase Deficiency; Fumaric aciduria. Identifiers: Orphanet 24, MedGen C0342770, MONDO:0011730, OMIM 606812.

Allele frequency attached by ClinVar (database versions not stated): TOPMed below 0.00001.

Submissions (4):

Labcorp Genetics (formerly Invitae), Labcorp
Classification: Uncertain significance. Last evaluated: 2025-05-08. Review status: criteria provided, single submitter. Criteria: Invitae Variant Classification Sherloc (09022015). Collection method: clinical testing. Allele origin: germline.
Comment: This sequence change replaces glycine, which is neutral and non-polar, with arginine, which is basic and polar, at codon 245 of the FH protein (p.Gly245Arg). This variant is not present in population databases (gnomAD no frequency). This variant has not been reported in the literature in individuals affected with FH-related conditions. ClinVar contains an entry for this variant (Variation ID: 1197605). Invitae Evidence Modeling of protein sequence and biophysical properties (such as structural, functional, and spatial information, amino acid conservation, physicochemical variation, residue mobility, and thermodynamic stability) indicates that this missense variant is expected to disrupt FH protein function with a positive predictive value of 95%. RNA analysis performed to evaluate the impact of this missense change on mRNA splicing indicates it does not significantly alter splicing (internal data). In summary, the available evidence is currently insufficient to determine the role of this variant in disease. Therefore, it has been classified as a Variant of Uncertain Significance.

Ambry Genetics
Classification: Uncertain significance for Hereditary cancer-predisposing syndrome. Last evaluated: 2025-01-11. Review status: criteria provided, single submitter. Criteria: Ambry Variant Classification Scheme 2023. Collection method: clinical testing. Allele origin: germline.
Comment: The p.G245R variant (also known as c.733G>A), located in coding exon 5 of the FH gene, results from a G to A substitution at nucleotide position 733. The glycine at codon 245 is replaced by arginine, an amino acid with dissimilar properties. This amino acid position is highly conserved in available vertebrate species. In addition, this alteration is predicted to be deleterious by in silico analysis. Based on the available evidence, the clinical significance of this variant remains unclear.

Baylor Genetics
Classification: Uncertain significance for Fumarase deficiency. Last evaluated: 2023-11-03. Review status: criteria provided, single submitter. Criteria: ACMG Guidelines, 2015. Collection method: clinical testing. Allele origin: unknown.

GeneDx
Classification: Uncertain significance. Last evaluated: 2020-10-16. Review status: criteria provided, single submitter. Criteria: GeneDx Variant Classification Process June 2021. Collection method: clinical testing. Allele origin: germline. Affected: yes.
Comment: Not observed in large population cohorts (Lek 2016); In silico analysis supports that this missense variant has a deleterious effect on protein structure/function; Has not been previously published as pathogenic or benign to our knowledge

NM_000143.4(FH):c.733G>A (p.Gly245Arg)

Gene: FH (fumarate hydratase; minus strand). Cytogenetic location: 1q43.
Variant type: single nucleotide variant.
Coding change: c.733G>A on transcript NM_000143.4 (MANE Select); coding-DNA position 733, G replaced by A.
Protein change: p.Gly245Arg; replaces glycine 245 with arginine.
Molecular consequence: missense variant.
Genome position (GRCh38, 1-based): chr1:241,508,608, C>T on the plus strand (G>A on the coding strand, the complement: FH is on the minus strand). VCF-style: chr1-241508608-C-T. GRCh37 (hg19) VCF-style: chr1-241671908-C-T.
Other names: short protein forms G245R.
Identifiers: ClinVar variation 1197605 (VCV001197605.13), dbSNP rs1287444534, ClinGen allele CA345439153.